The following is an entry in ClinVar:

NM_032638.5(GATA2):c.334C>T (p.His112Tyr)

Gene: GATA2 (GATA binding protein 2; minus strand). Cytogenetic location: 3q21.3.
Variant type: single nucleotide variant.
Coding change: c.334C>T on transcript NM_032638.5 (MANE Select); coding-DNA position 334, C replaced by T.
Protein change: p.His112Tyr; replaces histidine 112 with tyrosine.
Molecular consequence: missense variant.
Genome position (GRCh38, 1-based): chr3:128,486,264, G>A on the plus strand (C>T on the coding strand, the complement: GATA2 is on the minus strand). VCF-style: chr3-128486264-G-A. GRCh37 (hg19) VCF-style: chr3-128205107-G-A.
Other names: c.334C>T, p.His112Tyr (NM_001145661.2, NM_001145662.1); short protein forms H112Y.
Identifiers: ClinVar variation 4842573 (VCV004842573.1).

ClinVar aggregate classification (germline): Uncertain significance (1 of 4 stars; one submission).

Conditions:
Inborn genetic diseases. Identifiers: MedGen C0950123, MeSH D030342.

Submission:

Ambry Genetics
Classification: Uncertain significance for Inborn genetic diseases. Last evaluated: 2026-01-13. Review status: criteria provided, single submitter. Criteria: Ambry Variant Classification Scheme 2023. Collection method: clinical testing. Allele origin: germline.
Comment: The p.H112Y variant (also known as c.334C>T), located in coding exon 2 of the GATA2 gene, results from a C to T substitution at nucleotide position 334. The histidine at codon 112 is replaced by tyrosine, an amino acid with similar properties. This amino acid position is conserved. In addition, the in silico prediction for this alteration is inconclusive. Based on the available evidence, the clinical significance of this variant remains unclear.